The following is an entry in ClinVar:

NM_177438.3(DICER1):c.3274C>T (p.Pro1092Ser)

Gene: DICER1 (dicer 1, ribonuclease III; minus strand). Cytogenetic location: 14q32.13.
Variant type: single nucleotide variant.
Coding change: c.3274C>T on transcript NM_177438.3 (MANE Select); coding-DNA position 3274, C replaced by T.
Protein change: p.Pro1092Ser; replaces proline 1092 with serine.
Molecular consequence: missense variant. On other transcripts: non-coding transcript variant (4).
Genome position (GRCh38, 1-based): chr14:95,104,122, G>A on the plus strand (C>T on the coding strand, the complement: DICER1 is on the minus strand). VCF-style: chr14-95104122-G-A. GRCh37 (hg19) VCF-style: chr14-95570459-G-A.
Other names: c.1591C>T, p.Pro531Ser (NM_001395697.1); c.3274C>T, p.Pro1092Ser (NM_030621.4, NM_001195573.1, NM_001271282.3 and 12 more transcripts); c.2992C>T, p.Pro998Ser (NM_001395686.1); c.2869C>T, p.Pro957Ser (NM_001395687.1, NM_001395688.1, NM_001395689.1 and 2 more transcripts); c.2707C>T, p.Pro903Ser (NM_001395691.1); short protein forms P531S, P903S, P1092S, P957S, P998S.
Identifiers: ClinVar variation 4240548 (VCV004240548.1).
Genomic context (GRCh38, chr14:95,104,122, plus strand): 5'-TAGAAATTGAGATGAAAGATTTGCTGTCAATAGATTTTTTCCACCCGAAGTCTAAGTTAG[G>A]GTATCTGCAAAGACATTTTTATAACTTTACATCAGATTCTTCAAAACAGCTAGGCTGAGA-3'
Protein context (NP_803187.1, residues 1082-1102): VRSLPADFRY[Pro1092Ser]NLDFGWKKSI

ClinVar aggregate classification (germline): Uncertain significance (1 of 4 stars; one submission).

Conditions:
Hereditary cancer-predisposing syndrome. Also called: Hereditary Cancer Syndrome; Hereditary neoplastic syndrome; Neoplastic Syndromes, Hereditary; Tumor predisposition. Identifiers: Orphanet 140162, MedGen C0027672, MeSH D009386, MONDO:0015356.

Submission:

Ambry Genetics
Classification: Uncertain significance for Hereditary cancer-predisposing syndrome. Last evaluated: 2025-09-10. Review status: criteria provided, single submitter. Criteria: Ambry Variant Classification Scheme 2023. Collection method: clinical testing. Allele origin: germline.
Comment: The p.P1092S variant (also known as c.3274C>T), located in coding exon 20 of the DICER1 gene, results from a C to T substitution at nucleotide position 3274. The proline at codon 1092 is replaced by serine, an amino acid with similar properties. This amino acid position is conserved. In addition, the in silico prediction for this alteration is inconclusive. Based on the available evidence, the clinical significance of this variant remains unclear.